The following is an entry in ClinVar:

NM_000393.5(COL5A2):c.319T>G (p.Phe107Val)

Gene: COL5A2 (collagen type V alpha 2 chain; minus strand). Cytogenetic location: 2q32.2.
Variant type: single nucleotide variant.
Coding change: c.319T>G on transcript NM_000393.5 (MANE Select); coding-DNA position 319, T replaced by G.
Protein change: p.Phe107Val; replaces phenylalanine 107 with valine.
Molecular consequence: missense variant.
Genome position (GRCh38, 1-based): chr2:189,110,228, A>C on the plus strand (T>G on the coding strand, the complement: COL5A2 is on the minus strand). VCF-style: chr2-189110228-A-C. GRCh37 (hg19) VCF-style: chr2-189974954-A-C.
Other names: p.Phe107Val; short protein forms F107V.
Identifiers: ClinVar variation 636406 (VCV000636406.18), dbSNP rs778501601, ClinGen allele CA349867275.

ClinVar aggregate classification (germline): Uncertain significance. Review status: criteria provided, multiple submitters, no conflicts (2 of 4 stars). 5 submissions from 5 submitters: Uncertain significance (5). Last evaluated 2025-12-23.

Conditions:
Ehlers-Danlos syndrome, classic type, 1 (EDSCL1). Also called: EHLERS-DANLOS SYNDROME, GRAVIS TYPE; EHLERS-DANLOS SYNDROME, SEVERE CLASSIC TYPE; Ehlers-Danlos syndrome, type 1; Ehlers-Danlos Syndrome, Classic Type, COL5A1-Related; EDS I. Identifiers: MedGen C0268335, MONDO:0019567, OMIM 130000.

Allele frequency attached by ClinVar (database versions not stated): gnomAD exomes 0.00001.
gnomAD v4.1: 13 of 1,611,422 alleles (0.00081%); highest among the groups gnomAD compares: Admixed American, 0.0017%; no homozygotes.

Submissions (5):

Labcorp Genetics (formerly Invitae), Labcorp
Classification: Uncertain significance for Ehlers-Danlos syndrome, classic type, 1. Last evaluated: 2025-12-23. Review status: criteria provided, single submitter. Criteria: Invitae Variant Classification Sherloc (09022015). Collection method: clinical testing. Allele origin: germline.
Comment: This sequence change replaces phenylalanine, which is neutral and non-polar, with valine, which is neutral and non-polar, at codon 107 of the COL5A2 protein (p.Phe107Val). This variant is not present in population databases (gnomAD no frequency). This variant has not been reported in the literature in individuals affected with COL5A2-related conditions. ClinVar contains an entry for this variant (Variation ID: 636406). Invitae Evidence Modeling of protein sequence and biophysical properties (such as structural, functional, and spatial information, amino acid conservation, physicochemical variation, residue mobility, and thermodynamic stability) has been performed for this missense variant. However, the output from this modeling did not meet the statistical confidence thresholds required to predict the impact of this variant on COL5A2 protein function. In summary, the available evidence is currently insufficient to determine the role of this variant in disease. Therefore, it has been classified as a Variant of Uncertain Significance.

Mayo Clinic Laboratories, Mayo Clinic
Classification: Uncertain significance. Last evaluated: 2024-03-29. Review status: criteria provided, single submitter. Criteria: ACMG Guidelines, 2015. Collection method: clinical testing. Allele origin: germline. Observed: 1 variant allele.
Comment: PM2

Women's Health and Genetics/Laboratory Corporation of America, LabCorp
Classification: Uncertain significance. Last evaluated: 2022-12-13. Review status: criteria provided, single submitter. Criteria: LabCorp Variant Classification Summary - May 2015. Collection method: clinical testing. Allele origin: germline.
Comment: Variant summary: COL5A2 c.319T>G (p.Phe107Val) results in a non-conservative amino acid change in the encoded protein sequence. Three of five in-silico tools predict a benign effect of the variant on protein function. The variant was absent in 251262 control chromosomes. The available data on variant occurrences in the general population are insufficient to allow any conclusion about variant significance. To our knowledge, no occurrence of c.319T>G in individuals affected with Ehlers-Danlos Syndrome and no experimental evidence demonstrating its impact on protein function have been reported. Three clinical diagnostic laboratories have submitted clinical-significance assessments for this variant to ClinVar after 2014 without evidence for independent evaluation. All laboratories classified the variant as uncertain significance. Based on the evidence outlined above, the variant was classified as uncertain significance.

GeneDx
Classification: Uncertain significance. Last evaluated: 2021-10-11. Review status: criteria provided, single submitter. Criteria: GeneDx Variant Classification Process June 2021. Collection method: clinical testing. Allele origin: germline. Affected: yes.
Comment: Has not been previously published as pathogenic or benign to our knowledge; Not observed in large population cohorts (Lek et al., 2016); In silico analysis supports that this missense variant does not alter protein structure/function; Not located in the triple helical region, where the majority of pathogenic missense variants occur (Symoens et al., 2012; Stenson et al., 2014); Reported in ClinVar as a variant of uncertain significance (ClinVar Variant ID# 636406; Landrum et al., 2016); This variant is associated with the following publications: (PMID: 22696272, 24077912)

Blueprint Genetics
Classification: Uncertain significance. Last evaluated: 2017-05-16. Review status: criteria provided, single submitter. Criteria: ACMG Guidelines, 2015. Collection method: clinical testing. Allele origin: germline.